The following is an entry in ClinVar:

ClinVar aggregate classification (germline): Uncertain significance. Review status: criteria provided, multiple submitters, no conflicts (2 of 4 stars). 3 submissions from 3 submitters: Uncertain significance (3). Last evaluated 2026-06-17.

Conditions:
ABCC6-related disorder. Also called: ABCC6-related condition.

Allele frequency attached by ClinVar (database versions not stated): gnomAD 0.00001; TOPMed 0.00001; ExAC 0.00002.
gnomAD v4.1: 28 of 1,613,782 alleles (0.0017%); highest among the groups gnomAD compares: Middle Eastern, 0.016%; no homozygotes.

Submissions (3):

PreventionGenetics, part of Exact Sciences
Classification: Uncertain significance for ABCC6-related condition. Last evaluated: 2026-06-17. Review status: criteria provided, single submitter. Criteria: ACMG Guidelines, 2015. Collection method: clinical testing. Allele origin: germline.
Comment: The ABCC6 c.3515C>T variant is predicted to result in the amino acid substitution p.Ala1172Val. This variant has been reported in an individual with retinitis pigmentosa (Table S3, Maggi et al. 2024. PubMed ID: 38928247); however, this individual also had variants in other retinal-related genes. This variant is reported in 0.0033% of alleles in individuals of South Asian descent in gnomAD. At this time, the clinical significance of this variant is uncertain due to the absence of conclusive functional and genetic evidence.

CeGaT Center for Human Genetics Tuebingen
Classification: Uncertain significance. Last evaluated: 2025-12-01. Review status: criteria provided, single submitter. Criteria: CeGaT Center For Human Genetics Tuebingen Variant Classification Criteria Version 2. Collection method: clinical testing. Allele origin: germline. Affected: yes. Observed: 1 variant allele.
Comment: ABCC6: PM2

Labcorp Genetics (formerly Invitae), Labcorp
Classification: Uncertain significance. Last evaluated: 2022-10-18. Review status: criteria provided, single submitter. Criteria: Invitae Variant Classification Sherloc (09022015). Collection method: clinical testing. Allele origin: germline.
Comment: In summary, the available evidence is currently insufficient to determine the role of this variant in disease. Therefore, it has been classified as a Variant of Uncertain Significance. Advanced modeling of protein sequence and biophysical properties (such as structural, functional, and spatial information, amino acid conservation, physicochemical variation, residue mobility, and thermodynamic stability) has been performed at Invitae for this missense variant, however the output from this modeling did not meet the statistical confidence thresholds required to predict the impact of this variant on ABCC6 protein function. ClinVar contains an entry for this variant (Variation ID: 1486875). This variant has not been reported in the literature in individuals affected with ABCC6-related conditions. The frequency data for this variant in the population databases is considered unreliable, as metrics indicate poor data quality at this position in the gnomAD database. This sequence change replaces alanine, which is neutral and non-polar, with valine, which is neutral and non-polar, at codon 1172 of the ABCC6 protein (p.Ala1172Val).

NM_001171.6(ABCC6):c.3515C>T (p.Ala1172Val)

Gene: ABCC6 (ATP binding cassette subfamily C member 6; minus strand). Cytogenetic location: 16p13.11.
Variant type: single nucleotide variant.
Coding change: c.3515C>T on transcript NM_001171.6 (MANE Select); coding-DNA position 3515, C replaced by T.
Protein change: p.Ala1172Val; replaces alanine 1172 with valine.
Molecular consequence: missense variant. On other transcripts: non-coding transcript variant (1).
Genome position (GRCh38, 1-based): chr16:16,161,556, G>A on the plus strand (C>T on the coding strand, the complement: ABCC6 is on the minus strand). VCF-style: chr16-16161556-G-A. GRCh37 (hg19) VCF-style: chr16-16255413-G-A.
Other names: c.3173C>T, p.Ala1058Val (NM_001351800.1); c.3515C>T (NM_001171.5); short protein forms A1172V, A1058V.
Identifiers: ClinVar variation 1486875 (VCV001486875.10), dbSNP rs753771636, ClinGen allele CA7925540.